The following is an entry in ClinVar:

NM_001061.7(TBXAS1):c.506A>G (p.Tyr169Cys)

Gene: TBXAS1 (thromboxane A synthase 1; plus strand). Cytogenetic location: 7q34.
Variant type: single nucleotide variant.
Coding change: c.506A>G on transcript NM_001061.7 (MANE Select); coding-DNA position 506, A replaced by G.
Protein change: p.Tyr169Cys; replaces tyrosine 169 with cysteine.
Molecular consequence: missense variant.
Genome position (GRCh38, 1-based): chr7:139,953,423, A>G. VCF-style: chr7-139953423-A-G. GRCh37 (hg19) VCF-style: chr7-139653222-A-G.
Other names: c.506A>G, p.Tyr169Cys (NM_001130966.5, NM_030984.6); c.644A>G, p.Tyr215Cys (NM_001166253.4); c.305A>G, p.Tyr102Cys (NM_001166254.4); c.449A>G, p.Tyr150Cys (NM_001314028.4); c.323A>G, p.Tyr108Cys (NM_001366537.3); c.509A>G (NM_001061.4); short protein forms Y150C, Y108C, Y215C, Y102C, Y169C.
Identifiers: ClinVar variation 1427133 (VCV001427133.7), dbSNP rs368121899, ClinGen allele CA4511685.

ClinVar aggregate classification (germline): Uncertain significance. Review status: criteria provided, multiple submitters, no conflicts (2 of 4 stars). 2 submissions from 2 submitters: Uncertain significance (2). Last evaluated 2024-09-10.

Conditions:
Inborn genetic diseases. Identifiers: MedGen C0950123, MeSH D030342.

Allele frequency attached by ClinVar (database versions not stated): ExAC 0.00001; gnomAD exomes 0.00001; 1000 Genomes Project 30x 0.00016; 1000 Genomes Project 0.00020.
gnomAD v4.1: 2 of 1,614,204 alleles (0.00012%); highest among the groups gnomAD compares: Admixed American, 0.0033%; no homozygotes.

Submissions (2):

Ambry Genetics
Classification: Uncertain significance for Inborn genetic diseases. Last evaluated: 2024-09-10. Review status: criteria provided, single submitter. Criteria: Ambry Variant Classification Scheme 2023. Collection method: clinical testing. Allele origin: germline.

Labcorp Genetics (formerly Invitae), Labcorp
Classification: Uncertain significance. Last evaluated: 2022-08-09. Review status: criteria provided, single submitter. Criteria: Invitae Variant Classification Sherloc (09022015). Collection method: clinical testing. Allele origin: germline.
Comment: This sequence change replaces tyrosine, which is neutral and polar, with cysteine, which is neutral and slightly polar, at codon 170 of the TBXAS1 protein (p.Tyr170Cys). In summary, the available evidence is currently insufficient to determine the role of this variant in disease. Therefore, it has been classified as a Variant of Uncertain Significance. ClinVar contains an entry for this variant (Variation ID: 1427133). This variant is present in population databases (rs368121899, gnomAD 0.006%). This variant has not been reported in the literature in individuals affected with TBXAS1-related conditions. Advanced modeling of protein sequence and biophysical properties (such as structural, functional, and spatial information, amino acid conservation, physicochemical variation, residue mobility, and thermodynamic stability) performed at Invitae indicates that this missense variant is not expected to disrupt TBXAS1 protein function.